The following is an entry in ClinVar:

ClinVar aggregate classification (germline): Uncertain significance (1 of 4 stars; one submission).

Conditions:
Dyskeratosis congenita, autosomal recessive 6 (DKCB6). Identifiers: MedGen C4225356, MONDO:0014600, OMIM 616353.
Pulmonary fibrosis and/or bone marrow failure, Telomere-related, 4. Also called: PULMONARY FIBROSIS AND/OR BONE MARROW FAILURE SYNDROME, TELOMERE-RELATED, 4. Identifiers: Orphanet 2032, MedGen C4225347, MONDO:0014612, OMIM 616371.

Submission:

Labcorp Genetics (formerly Invitae), Labcorp
Classification: Uncertain significance for Dyskeratosis congenita, autosomal recessive 6; Pulmonary fibrosis and/or bone marrow failure, Telomere-related, 4. Last evaluated: 2024-11-11. Review status: criteria provided, single submitter. Criteria: Invitae Variant Classification Sherloc (09022015). Collection method: clinical testing. Allele origin: germline.
Comment: This sequence change replaces glutamic acid, which is acidic and polar, with aspartic acid, which is acidic and polar, at codon 528 of the PARN protein (p.Glu528Asp). This variant is not present in population databases (gnomAD no frequency). This variant has not been reported in the literature in individuals affected with PARN-related conditions. An algorithm developed to predict the effect of missense changes on protein structure and function outputs the following: PolyPhen-2: "Benign". The aspartic acid amino acid residue is found in multiple mammalian species, which suggests that this missense change does not adversely affect protein function. In summary, the available evidence is currently insufficient to determine the role of this variant in disease. Therefore, it has been classified as a Variant of Uncertain Significance.

NM_002582.4(PARN):c.1584A>C (p.Glu528Asp)

Gene: PARN (poly(A)-specific ribonuclease; minus strand). Cytogenetic location: 16p13.12.
Variant type: single nucleotide variant.
Coding change: c.1584A>C on transcript NM_002582.4 (MANE Select); coding-DNA position 1584, A replaced by C.
Protein change: p.Glu528Asp; replaces glutamic acid 528 with aspartic acid.
Molecular consequence: missense variant.
Genome position (GRCh38, 1-based): chr16:14,482,724, T>G on the plus strand (A>C on the coding strand, the complement: PARN is on the minus strand). VCF-style: chr16-14482724-T-G. GRCh37 (hg19) VCF-style: chr16-14576581-T-G.
Other names: c.1401A>C, p.Glu467Asp (NM_001134477.3); c.1446A>C, p.Glu482Asp (NM_001242992.2); short protein forms E467D, E482D, E528D.
Identifiers: ClinVar variation 3748829 (VCV003748829.2).
Genomic context (GRCh38, chr16:14,482,724, plus strand): 5'-CAGGGTGTAGGGTATGCACTGGGGGTTTAACCGTTTGCTGTCAGCCTCCTTCCAGCTATC[T>G]TCAGTCCACTTTCTTTTGATCTGCTTCTCTTCCTGTTTTCTCCCCATATATTCAGCATAG-3'
Protein context (NP_002573.1, residues 518-538): EEKQIKRKWT[Glu528Asp]DSWKEADSKR